The following is an entry in ClinVar:

ClinVar aggregate classification (germline): Uncertain significance (1 of 4 stars; one submission).

Conditions:
Hereditary cancer-predisposing syndrome. Also called: Neoplastic Syndromes, Hereditary; Tumor predisposition; Hereditary Cancer Syndrome; Hereditary neoplastic syndrome. Identifiers: Orphanet 140162, MedGen C0027672, MeSH D009386, MONDO:0015356.

Submission:

Ambry Genetics
Classification: Uncertain significance for Hereditary cancer-predisposing syndrome. Last evaluated: 2022-10-12. Review status: criteria provided, single submitter. Criteria: Ambry Variant Classification Scheme 2023. Collection method: clinical testing. Allele origin: germline.
Comment: The p.I617T variant (also known as c.1850T>C), located in coding exon 17 of the POLE gene, results from a T to C substitution at nucleotide position 1850. The isoleucine at codon 617 is replaced by threonine, an amino acid with similar properties. This amino acid position is conserved. In addition, the in silico prediction for this alteration is inconclusive. Since supporting evidence is limited at this time, the clinical significance of this alteration remains unclear.

NM_006231.4(POLE):c.1850T>C (p.Ile617Thr)

Gene: POLE (DNA polymerase epsilon, catalytic subunit; minus strand). Cytogenetic location: 12q24.33.
Variant type: single nucleotide variant.
Coding change: c.1850T>C on transcript NM_006231.4 (MANE Select); coding-DNA position 1850, T replaced by C.
Protein change: p.Ile617Thr; replaces isoleucine 617 with threonine.
Molecular consequence: missense variant.
Genome position (GRCh38, 1-based): chr12:132,668,884, A>G on the plus strand (T>C on the coding strand, the complement: POLE is on the minus strand). VCF-style: chr12-132668884-A-G. GRCh37 (hg19) VCF-style: chr12-133245470-A-G.
Other names: short protein forms I617T.
Identifiers: ClinVar variation 1781323 (VCV001781323.2), dbSNP rs2542104701, ClinGen allele CA387355525.